The following is an entry in ClinVar:

ClinVar aggregate classification (germline): Uncertain significance. Review status: criteria provided, multiple submitters, no conflicts (2 of 4 stars). 2 submissions from 2 submitters: Uncertain significance (2). Last evaluated 2025-08-04.

Conditions:
Aortic aneurysm, familial thoracic 4 (AAT4). Also called: AORTIC ANEURYSM/AORTIC DISSECTION AND PATENT DUCTUS ARTERIOSUS. Identifiers: MedGen C1851504, MONDO:0007568, OMIM 132900.
Familial thoracic aortic aneurysm and aortic dissection (TAAD). Also called: Thoracic aortic aneurysms and dissections. Identifiers: Orphanet 91387, MedGen C4707243, MONDO:0019625.

Allele frequency attached by ClinVar (database versions not stated): gnomAD exomes 0.00001; ExAC 0.00002.
gnomAD v4.1: 3 of 1,614,170 alleles (0.00019%); highest among the groups gnomAD compares: Admixed American, 0.005%; no homozygotes.

Submissions (2):

Labcorp Genetics (formerly Invitae), Labcorp
Classification: Uncertain significance for Aortic aneurysm, familial thoracic 4. Last evaluated: 2025-08-04. Review status: criteria provided, single submitter. Criteria: Invitae Variant Classification Sherloc (09022015). Collection method: clinical testing. Allele origin: germline.
Comment: This sequence change replaces glutamic acid, which is acidic and polar, with lysine, which is basic and polar, at codon 563 of the MYH11 protein (p.Glu563Lys). This variant is present in population databases (rs758166424, gnomAD 0.009%). This variant has not been reported in the literature in individuals affected with MYH11-related conditions. ClinVar contains an entry for this variant (Variation ID: 519963). Invitae Evidence Modeling of protein sequence and biophysical properties (such as structural, functional, and spatial information, amino acid conservation, physicochemical variation, residue mobility, and thermodynamic stability) indicates that this missense variant is not expected to disrupt MYH11 protein function with a negative predictive value of 95%. In summary, the available evidence is currently insufficient to determine the role of this variant in disease. Therefore, it has been classified as a Variant of Uncertain Significance.

Ambry Genetics
Classification: Uncertain significance for Familial thoracic aortic aneurysm and aortic dissection. Last evaluated: 2025-01-19. Review status: criteria provided, single submitter. Criteria: Ambry Variant Classification Scheme 2023. Collection method: clinical testing. Allele origin: germline.

NM_002474.3(MYH11):c.1666G>A (p.Glu556Lys)

Gene: MYH11 (myosin heavy chain 11; minus strand). Cytogenetic location: 16p13.11.
Variant type: single nucleotide variant.
Coding change: c.1666G>A on transcript NM_002474.3 (MANE Select); coding-DNA position 1666, G replaced by A.
Protein change: p.Glu556Lys; replaces glutamic acid 556 with lysine.
Molecular consequence: missense variant.
Genome position (GRCh38, 1-based): chr16:15,756,424, C>T on the plus strand (G>A on the coding strand, the complement: MYH11 is on the minus strand). VCF-style: chr16-15756424-C-T. GRCh37 (hg19) VCF-style: chr16-15850281-C-T.
Other names: c.1687G>A, p.Glu563Lys (NM_001040113.2, NM_001040114.2); c.1666G>A, p.Glu556Lys (NM_022844.3); short protein forms E556K, E563K.
Identifiers: ClinVar variation 519963 (VCV000519963.7), dbSNP rs758166424, ClinGen allele CA7922547.